The following is an entry in ClinVar:

ClinVar aggregate classification (germline): Pathogenic (1 of 4 stars; one submission).

Conditions:
Aniridia 1 (AN1). Identifiers: Orphanet 250923, MedGen C0344542, MONDO:0024507, OMIM 106210.
Irido-corneo-trabecular dysgenesis (ASGD5). Also called: ANTERIOR SEGMENT DYSGENESIS 5. Identifiers: Orphanet 708, MedGen C0344559, MONDO:0011414, OMIM 604229, HP:0000659.

Submission:

Labcorp Genetics (formerly Invitae), Labcorp
Classification: Pathogenic for Aniridia 1; Irido-corneo-trabecular dysgenesis. Last evaluated: 2022-05-26. Review status: criteria provided, single submitter. Criteria: Invitae Variant Classification Sherloc (09022015). Collection method: clinical testing. Allele origin: germline.
Comment: For these reasons, this variant has been classified as Pathogenic. This variant has not been reported in the literature in individuals affected with PAX6-related conditions. This variant is not present in population databases (gnomAD no frequency). This sequence change creates a premature translational stop signal (p.His284Glnfs*7) in the PAX6 gene. It is expected to result in an absent or disrupted protein product. Loss-of-function variants in PAX6 are known to be pathogenic (PMID: 12634864).

Literature cited by the submitters: PubMed 12634864.

NM_001368894.2(PAX6):c.893dup (p.His298fs)

Gene: PAX6 (paired box 6; minus strand). Cytogenetic location: 11p13.
Variant type: Duplication.
Coding change: c.893dup on transcript NM_001368894.2 (MANE Select); coding-DNA position 893, one base duplicated (A; older notation c.893dupA).
Protein change: p.His298fs; shifts the reading frame from histidine 298.
Molecular consequence: frameshift variant. On other transcripts: non-coding transcript variant (2).
Genome position (GRCh38, 1-based): chr11:31,793,717, T duplicated on the plus strand (A on the coding strand, the reverse complement: PAX6 is on the minus strand). VCF-style (leftmost placement, unchanged base first): chr11-31793716-A-AT. GRCh37 (hg19) VCF-style: chr11-31815264-A-AT.
Other names: c.851dup, p.His284fs (NM_000280.6, NM_001127612.3, NM_001258464.2 and 10 more transcripts); c.893dup, p.His298fs (NM_001258462.3, NM_001258463.2, NM_001310158.2 and 6 more transcripts); c.443dup, p.His148fs (NM_001310160.2, NM_001310161.3, NM_001368899.2 and 11 more transcripts); c.1094dup, p.His365fs (NM_001368910.2); c.896dup, p.His299fs (NM_001368911.2); c.968dup, p.His323fs (NM_001368918.2, NM_001368919.2); c.926dup, p.His309fs (NM_001368920.2); c.692dup, p.His231fs (NM_001368921.2, NM_001368922.2, NM_001368923.2 and 4 more transcripts); and 2 more; short protein forms H299fs, H83fs, H284fs, H309fs, H217fs, H323fs, H365fs, H148fs.
Identifiers: ClinVar variation 1999114 (VCV001999114.4), dbSNP rs2495105858, ClinGen allele CA2580082902.